The following is an entry in ClinVar:

ClinVar aggregate classification (germline): Pathogenic. Review status: criteria provided, multiple submitters, no conflicts (2 of 4 stars). 2 submissions from 2 submitters: Pathogenic (2). Last evaluated 2025-10-10.

Conditions:
Frontotemporal dementia and/or amyotrophic lateral sclerosis 4. Also called: FTDALS4. Identifiers: Orphanet 275872, MedGen C4225325, MONDO:0014641, OMIM 616439.

Allele frequency attached by ClinVar (database versions not stated): gnomAD exomes below 0.00001.
gnomAD v4.1: 3 of 1,608,998 alleles (0.00019%); highest among the groups gnomAD compares: African/African-American, 0.0013%; no homozygotes.

Submissions (2):

Labcorp Genetics (formerly Invitae), Labcorp
Classification: Pathogenic for Frontotemporal dementia and/or amyotrophic lateral sclerosis 4. Last evaluated: 2025-10-10. Review status: criteria provided, single submitter. Criteria: Invitae Variant Classification Sherloc (09022015). Collection method: clinical testing. Allele origin: germline.
Comment: This sequence change creates a premature translational stop signal (p.Arg308*) in the TBK1 gene. It is expected to result in an absent or disrupted protein product. Loss-of-function variants in TBK1 are known to be pathogenic (PMID: 25803835, 26476236, 26581300). This variant is not present in population databases (gnomAD no frequency). This premature translational stop signal has been observed in individual(s) with amyotrophic lateral sclerosis (PMID: 32579787). ClinVar contains an entry for this variant (Variation ID: 873222). Algorithms developed to predict the effect of sequence changes on RNA splicing suggest that this variant may disrupt the consensus splice site. For these reasons, this variant has been classified as Pathogenic.

Suna and Inan Kirac Foundation Neurodegeneration Research Laboratory, Koc University
Classification: Pathogenic for Frontotemporal dementia and/or amyotrophic lateral sclerosis 4. Last evaluated: 2020-03-31. Review status: criteria provided, single submitter. Criteria: ACMG Guidelines, 2015. Collection method: research. Allele origin: germline. Affected: yes. Observed: 1 variant allele.

Literature cited by the submitters: PubMed 25803835 (cited by Labcorp Genetics (formerly Invitae), Labcorp); PubMed 26476236 (cited by Labcorp Genetics (formerly Invitae), Labcorp); PubMed 26581300 (cited by Labcorp Genetics (formerly Invitae), Labcorp); PubMed 32579787 (cited by Labcorp Genetics (formerly Invitae), Labcorp).

NM_013254.4(TBK1):c.922C>T (p.Arg308Ter)

Gene: TBK1 (TANK binding kinase 1; plus strand). Cytogenetic location: 12q14.2.
Variant type: single nucleotide variant.
Coding change: c.922C>T on transcript NM_013254.4 (MANE Select); coding-DNA position 922, C replaced by T.
Protein change: p.Arg308Ter; replaces arginine 308 with a stop codon.
Molecular consequence: nonsense.
Genome position (GRCh38, 1-based): chr12:64,481,951, C>T. VCF-style: chr12-64481951-C-T. GRCh37 (hg19) VCF-style: chr12-64875731-C-T.
Other names: short protein forms R308*.
Identifiers: ClinVar variation 873222 (VCV000873222.5), dbSNP rs1284582102, ClinGen allele CA385599317.